The following is an entry in ClinVar:

ClinVar aggregate classification (germline): Conflicting classifications of pathogenicity. Review status: criteria provided, conflicting classifications (1 of 4 stars). 3 submissions from 3 submitters: Uncertain significance (1); Benign (1); Likely benign (1). Last evaluated 2026-09-01.

Conditions:
Facioscapulohumeral muscular dystrophy 2 (FSHD2). Also called: FACIOSCAPULOHUMERAL MUSCULAR DYSTROPHY 2, DIGENIC; FSHD2, DIGENIC; MUSCULAR DYSTROPHY, FACIOSCAPULOHUMERAL, TYPE 1B. Identifiers: Orphanet 269, MedGen C1834671, MONDO:0008031, OMIM 158901.

Allele frequency attached by ClinVar (database versions not stated): gnomAD exomes 0.00007 and 0.00020; ExAC 0.00031; ESP Exome Variant Server 0.00074; gnomAD 0.00086 and 0.00088; TOPMed 0.00090; 1000 Genomes Project 30x 0.00156; 1000 Genomes Project 0.00160.
gnomAD v4.1: 244 of 1,504,236 alleles (0.016%); highest among the groups gnomAD compares: African/African-American, 0.31%; 1 homozygote.

Submissions (3):

CeGaT Center for Human Genetics Tuebingen
Classification: Likely benign. Last evaluated: 2026-09-01. Review status: criteria provided, single submitter. Criteria: CeGaT Center For Human Genetics Tuebingen Variant Classification Criteria Version 2. Collection method: clinical testing. Allele origin: germline. Affected: yes. Observed: 1 variant allele.
Comment: SMCHD1: BP4, BP7

Labcorp Genetics (formerly Invitae), Labcorp
Classification: Benign for Facioscapulohumeral muscular dystrophy 2. Last evaluated: 2026-01-19. Review status: criteria provided, single submitter. Criteria: Invitae Variant Classification Sherloc (09022015). Collection method: clinical testing. Allele origin: germline.

Eurofins Ntd Llc (ga)
Classification: Uncertain significance. Last evaluated: 2015-07-12. Review status: criteria provided, single submitter. Criteria: EGL Classification Definitions 2015. Collection method: clinical testing. Allele origin: germline. Observed: 3 variant alleles, 3 heterozygotes.

NM_015295.3(SMCHD1):c.150C>G (p.Arg50=)

Gene: SMCHD1 (structural maintenance of chromosomes flexible hinge domain containing 1; plus strand). Cytogenetic location: 18p11.32.
Variant type: single nucleotide variant.
Coding change: c.150C>G on transcript NM_015295.3 (MANE Select); coding-DNA position 150, C replaced by G.
Protein change: p.Arg50=; no amino-acid change (arginine 50 retained).
Molecular consequence: synonymous variant.
Genome position (GRCh38, 1-based): chr18:2,656,225, C>G. VCF-style: chr18-2656225-C-G. GRCh37 (hg19) VCF-style: chr18-2656224-C-G.
Identifiers: ClinVar variation 281276 (VCV000281276.15), dbSNP rs139872818, ClinGen allele CA8870467.
Genomic context (GRCh38, chr18:2,656,225, plus strand): 5'-GTTTGATCGGCGCGAAAAGGAGTCCGAGCTCGGGGACCGGCCTCTGCAGGTCGGGGAGCG[C>G]TCGGACTACGCGGGATTTCGCGCGTGTGTGTGTCAGGTACGCGAAGGGGCGAGGAAGGGA-3'
Protein context (NP_056110.2, residues 40-60): LGDRPLQVGE[Arg50=]SDYAGFRACV